The following is an entry in ClinVar:

NM_020778.5(ALPK3):c.4466C>T (p.Ala1489Val)

Gene: ALPK3 (alpha kinase 3; plus strand). Cytogenetic location: 15q25.3.
Variant type: single nucleotide variant.
Coding change: c.4466C>T on transcript NM_020778.5 (MANE Select); coding-DNA position 4466, C replaced by T.
Protein change: p.Ala1489Val; replaces alanine 1489 with valine.
Molecular consequence: missense variant.
Genome position (GRCh38, 1-based): chr15:84,863,607, C>T. VCF-style: chr15-84863607-C-T. GRCh37 (hg19) VCF-style: chr15-85406838-C-T.
Other names: short protein forms A1489V.
Identifiers: ClinVar variation 1314183 (VCV001314183.8), dbSNP rs145438318, ClinGen allele CA273632095.
Genomic context (GRCh38, chr15:84,863,607, plus strand): 5'-CACAGGGGTGCAAGATCCAGAACATGAGTCGGGAGTACTGCAAAATCTTCGCAGCAGAAG[C>T]CCGGGCCGCGCCTGGCTTTGGGGAGGTGCCTGAGTAAGTACGCAGCGAGGAGGACGTGCA-3'
Protein context (NP_065829.4, residues 1479-1499): REYCKIFAAE[Ala1489Val]RAAPGFGEVP

ClinVar aggregate classification (germline): Uncertain significance. Review status: criteria provided, multiple submitters, no conflicts (2 of 4 stars). 3 submissions from 3 submitters: Uncertain significance (3). Last evaluated 2026-01-27.

Conditions:
Cardiovascular phenotype. Identifiers: MedGen CN230736.

Allele frequency attached by ClinVar (database versions not stated): gnomAD exomes below 0.00001; TOPMed below 0.00001; gnomAD 0.00001; ESP Exome Variant Server 0.00008.
gnomAD v4.1: 7 of 1,613,962 alleles (0.00043%); highest among the groups gnomAD compares: Non-Finnish European, 0.00042%; no homozygotes.

Submissions (3):

Labcorp Genetics (formerly Invitae), Labcorp
Classification: Uncertain significance. Last evaluated: 2026-01-27. Review status: criteria provided, single submitter. Criteria: Invitae Variant Classification Sherloc (09022015). Collection method: clinical testing. Allele origin: germline.
Comment: This sequence change replaces alanine, which is neutral and non-polar, with valine, which is neutral and non-polar, at codon 1691 of the ALPK3 protein (p.Ala1691Val). This variant is not present in population databases (gnomAD no frequency). This variant has not been reported in the literature in individuals affected with ALPK3-related conditions. ClinVar contains an entry for this variant (Variation ID: 1314183). Invitae Evidence Modeling of protein sequence and biophysical properties (such as structural, functional, and spatial information, amino acid conservation, physicochemical variation, residue mobility, and thermodynamic stability) indicates that this missense variant is expected to disrupt ALPK3 protein function with a positive predictive value of 80%. In summary, the available evidence is currently insufficient to determine the role of this variant in disease. Therefore, it has been classified as a Variant of Uncertain Significance.

Ambry Genetics
Classification: Uncertain significance for Cardiovascular phenotype. Last evaluated: 2025-09-25. Review status: criteria provided, single submitter. Criteria: Ambry Variant Classification Scheme 2023. Collection method: clinical testing. Allele origin: germline.

GeneDx
Classification: Uncertain significance. Last evaluated: 2021-03-05. Review status: criteria provided, single submitter. Criteria: GeneDx Variant Classification Process June 2021. Collection method: clinical testing. Allele origin: germline. Affected: yes.
Comment: Has not been previously published as pathogenic or benign to our knowledge; Not observed in large population cohorts (Lek et al., 2016); In silico analysis supports that this missense variant has a deleterious effect on protein structure/function